The following is an entry in ClinVar:

NM_001369.3(DNAH5):c.4550_4551insGGACTGTAAACTAGTTCAACCATTGTGGAAGTCAGTGTGGCGATTCCTCAGGGATCTAGAACTAGAAATACCANNNNNNNNNNAAAAAAAAAAAAAAAAAAAAAAG (p.Asn1518fs)

Genes: DNAH5 (dynein axonemal heavy chain 5; minus strand), DNAH5-AS1 (DNAH5 antisense RNA 1; plus strand). Cytogenetic location: 5p15.2.
Variant type: Insertion.
Coding change: c.4550_4551insGGACTGTAAACTAGTTCAACCATTGTGGAAGTCAGTGTGGCGATTCCTCAGGGATCTAGAACTAGAAATACCANNNNNNNNNNAAAAAAAAAAAAAAAAAAAAAAG on transcript NM_001369.3 (MANE Select); coding-DNA positions 4550 to 4551, GGACTGTAAACTAGTTCAACCATTGTGGAAGTCAGTGTGGCGATTCCTCAGGGATCTAGAACTAGAAATACCANNNNNNNNNNAAAAAAAAAAAAAAAAAAAAAAG inserted.
Protein change: p.Asn1518fs; shifts the reading frame from asparagine 1518.
Molecular consequence: frameshift variant.
Genome position: GRCh38: chr5:13,864,445-13,864,446. GRCh37 (hg19): chr5:13,864,554-13,864,555.
Other names: short protein forms N1518fs.
Identifiers: ClinVar variation 1365677 (VCV001365677.6), dbSNP rs2151908470.

ClinVar aggregate classification (germline): Pathogenic (1 of 4 stars; one submission).

Conditions:
Primary ciliary dyskinesia. Also called: Ciliary dyskinesia. Identifiers: Orphanet 244, MedGen C0008780, MONDO:0016575, HP:0012265.

Submission:

Labcorp Genetics (formerly Invitae), Labcorp
Classification: Pathogenic for Primary ciliary dyskinesia. Last evaluated: 2021-10-25. Review status: criteria provided, single submitter. Criteria: Invitae Variant Classification Sherloc (09022015). Collection method: clinical testing. Allele origin: germline.
Comment: For these reasons, this variant has been classified as Pathogenic. Retrotransposon insertions including LINE1 (L1), Alu, and SVA (SINE-VNTR-Alu) have been reported to be disease-causing through disruption of either a coding region or splice site (PMID: 19763152, 20307669, 22406018) and loss-of-function variants in DNAH5 are known to be pathogenic (PMID: 11788826, 16627867). Algorithms developed to predict the effect of sequence changes on RNA splicing suggest that this variant may create or strengthen a splice site. This variant has not been reported in the literature in individuals affected with DNAH5-related conditions. This variant is not present in population databases (ExAC no frequency). This sequence change inserts a large fragment of DNA, likely a transposable element, in exon 28 of the DNAH5 gene (c.4550_4551ins?), causing a frameshift at codon 1518 (p.Asn1518fs). The exact size and sequence of the insertion cannot be determined by the current assay. However, the insertion is expected to result in an absent or disrupted protein product.

Literature cited by the submitters: PubMed 19763152; PubMed 20307669; PubMed 22406018; PubMed 11788826; PubMed 16627867.